The following is an entry in ClinVar:

ClinVar aggregate classification (germline): Pathogenic/Likely pathogenic. Review status: criteria provided, multiple submitters, no conflicts (2 of 4 stars). 4 submissions from 4 submitters: Pathogenic (1); Likely pathogenic (2). 1 of the submissions does not count toward it. Last evaluated 2025-12-05.

Conditions:
Familial porphyria cutanea tarda (PCT). Also called: PCT, TYPE II; PORPHYRIA CUTANEA TARDA, TYPE II; PORPHYRIA, HEPATOCUTANEOUS TYPE; UROD DEFICIENCY; UROPORPHYRINOGEN DECARBOXYLASE DEFICIENCY; PCT, ''FAMILIAL'' TYPE. Identifiers: Orphanet 101330, Orphanet 443062, MedGen C0268323, MONDO:0008296, OMIM 176100.
UROD-related disorder. Also called: UROD-related condition; UROD-related disorders.

Allele frequency attached by ClinVar (database versions not stated): gnomAD exomes below 0.00001.
gnomAD v4.1: 3 of 1,613,570 alleles (0.00019%); highest among the groups gnomAD compares: African/African-American, 0.0027%; no homozygotes.

Submissions (4):

Variantyx, Inc.
Classification: Pathogenic for Familial porphyria cutanea tarda. Last evaluated: 2025-12-05. Review status: criteria provided, single submitter. Criteria: Variantyx Assertion Criteria 2022. Collection method: clinical testing. Allele origin: germline. Inheritance: Autosomal dominant inheritance.
Comment: This is a synonymous variant in the UROD gene (OMIM: 613521). Pathogenic variants in this gene have been associated with autosomal dominant familial porphyria cutanea tarda. Functional studies have shown that this variant results in abnormal splicing, leading to skipping of exon 9, which is expected to cause loss of function (PMID: 9792863) (PVS1). This variant has a 0.0060% maximum allele frequency in non-founder control populations (PM2_Supporting). This variant has been reported in the heterozygous state in an affected individual (PMID: 9792863). Based on the current evidence, this variant is classified as likely pathogenic for autosomal dominant Familial porphyria cutanea tarda.

Labcorp Genetics (formerly Invitae), Labcorp
Classification: Likely pathogenic. Last evaluated: 2024-04-06. Review status: criteria provided, single submitter. Criteria: Invitae Variant Classification Sherloc (09022015). Collection method: clinical testing. Allele origin: germline.
Comment: This sequence change affects codon 314 of the UROD mRNA. It is a 'silent' change, meaning that it does not change the encoded amino acid sequence of the UROD protein. RNA analysis indicates that this variant induces altered splicing and likely disrupts the C-terminus of the protein. This variant is present in population databases (rs121918062, gnomAD 0.0009%). This variant has been observed in individual(s) with porphyria cutanea tarda (PMID: 9792863). ClinVar contains an entry for this variant (Variation ID: 72). Variants that disrupt the consensus splice site are a relatively common cause of aberrant splicing (PMID: 17576681, 9536098). Studies have shown that this variant results in exon 9 skipping and introduces a new termination codon (PMID: 9792863). However the mRNA is not expected to undergo nonsense-mediated decay. In summary, the currently available evidence indicates that the variant is pathogenic, but additional data are needed to prove that conclusively. Therefore, this variant has been classified as Likely Pathogenic.

PreventionGenetics, part of Exact Sciences
Classification: Likely pathogenic for UROD-related condition. Last evaluated: 2023-06-07. Review status: criteria provided, single submitter. Criteria: ACMG Guidelines, 2015. Collection method: clinical testing. Allele origin: germline.
Comment: The UROD c.942G>A variant is not predicted to result in an amino acid change (p.=). This variant was reported in an individual with familial porphyria cutanea tarda and functional studies showed the c.942G>A variant results in aberrant splicing through exon 9 skipping (Mendez et al 1998. PubMed ID: 9792863). This variant is reported in 0.00088% of alleles in individuals of European (Non-Finnish) descent in gnomAD. This variant is interpreted as likely pathogenic.

OMIM
Classification: Pathogenic for PORPHYRIA CUTANEA TARDA. Last evaluated: 1998-11-01. Review status: no assertion criteria provided. Collection method: literature only. Allele origin: germline. Not counted in ClinVar's aggregate classification.

Literature cited by the submitters: PubMed 9792863 (cited by 3 submitters); PubMed 17576681 (cited by Labcorp Genetics (formerly Invitae), Labcorp); PubMed 9536098 (cited by Labcorp Genetics (formerly Invitae), Labcorp).

NM_000374.5(UROD):c.942G>A (p.Glu314=)

Gene: UROD (uroporphyrinogen decarboxylase; plus strand). Cytogenetic location: 1p34.1.
Variant type: single nucleotide variant.
Coding change: c.942G>A on transcript NM_000374.5 (MANE Select); coding-DNA position 942, G replaced by A.
Protein change: p.Glu314=; no amino-acid change (glutamic acid 314 retained).
Molecular consequence: synonymous variant. On other transcripts: non-coding transcript variant (3).
Genome position (GRCh38, 1-based): chr1:45,015,006, G>A. VCF-style: chr1-45015006-G-A. GRCh37 (hg19) VCF-style: chr1-45480678-G-A.
Other names: E314E; c.942G>A (NM_000374.4).
Identifiers: ClinVar variation 72 (VCV000000072.11), dbSNP rs121918062, ClinGen allele CA251376.
Genomic context (GRCh38, chr1:45,015,006, plus strand): 5'-TGTGGGGAAGACGGTGACATTGCAGGGCAACCTGGACCCCTGTGCCTTGTATGCATCTGA[G>A]GTAACAGCCAGGGCCCCTCTGTGTGTCTGTTACTGTGCACTCCTGTGGCTGTGGCTGTAT-3'
Protein context (NP_000365.3, residues 304-324): NLDPCALYAS[Glu314=]EEIGQLVKQM